The following is an entry in ClinVar:

ClinVar aggregate classification (germline): Likely benign. Review status: criteria provided, multiple submitters, no conflicts (2 of 4 stars). 4 submissions from 4 submitters: Likely benign (4). Last evaluated 2025-11-18.

Conditions:
Hereditary cancer-predisposing syndrome. Also called: Neoplastic Syndromes, Hereditary; Hereditary Cancer Syndrome; Tumor predisposition; Hereditary neoplastic syndrome. Identifiers: Orphanet 140162, MedGen C0027672, MeSH D009386, MONDO:0015356.
Cardiovascular phenotype. Identifiers: MedGen CN230736.
Neurofibromatosis, type 1 (NF1). Also called: VON RECKLINGHAUSEN DISEASE; Peripheral type neurofibromatosis; NEUROFIBROMATOSIS, TYPE I, SOMATIC; Neurofibromatosis, type I. Identifiers: Orphanet 636, MedGen C0027831, MONDO:0018975, OMIM 162200. Disease mechanism: loss of function.

gnomAD v4.1: 2 of 1,613,166 alleles (0.00012%); highest among the groups gnomAD compares: East Asian, 0.0022%; no homozygotes.

Submissions (4):

Labcorp Genetics (formerly Invitae), Labcorp
Classification: Likely benign for Neurofibromatosis, type 1. Last evaluated: 2025-11-18. Review status: criteria provided, single submitter. Criteria: Invitae Variant Classification Sherloc (09022015). Collection method: clinical testing. Allele origin: germline.

CeGaT Center for Human Genetics Tuebingen
Classification: Likely benign. Last evaluated: 2022-12-01. Review status: criteria provided, single submitter. Criteria: CeGaT Center For Human Genetics Tuebingen Variant Classification Criteria Version 2. Collection method: clinical testing. Allele origin: germline. Affected: yes. Observed: 1 variant allele.
Comment: NF1: PM2:Supporting, BP4, BP7

Genome-Nilou Lab
Classification: Likely benign for Neurofibromatosis, type 1. Last evaluated: 2022-03-15. Review status: criteria provided, single submitter. Criteria: ACMG Guidelines, 2015. Collection method: clinical testing. Allele origin: germline. Affected: no.

Ambry Genetics
Classification: Likely benign for Cardiovascular phenotype; Hereditary cancer-predisposing syndrome. Last evaluated: 2016-06-02. Review status: criteria provided, single submitter. Criteria: Ambry Variant Classification Scheme 2023. Collection method: clinical testing. Allele origin: germline.

NM_001042492.3(NF1):c.5169A>G (p.Gln1723=)

Gene: NF1 (neurofibromin 1; plus strand). Cytogenetic location: 17q11.2.
Variant type: single nucleotide variant.
Coding change: c.5169A>G on transcript NM_001042492.3 (MANE Select); coding-DNA position 5169, A replaced by G.
Protein change: p.Gln1723=; no amino-acid change (glutamine 1723 retained).
Molecular consequence: synonymous variant.
Genome position (GRCh38, 1-based): chr17:31,326,153, A>G. VCF-style: chr17-31326153-A-G. GRCh37 (hg19) VCF-style: chr17-29653171-A-G.
Other names: c.5106A>G, p.Gln1702= (NM_000267.4).
Identifiers: ClinVar variation 220077 (VCV000220077.76), dbSNP rs864622372, ClinGen allele CA349314.